The following is an entry in ClinVar:

ClinVar aggregate classification (germline): Pathogenic. Review status: criteria provided, multiple submitters, no conflicts (2 of 4 stars). 17 submissions from 17 submitters: Pathogenic (13). 4 of the submissions do not count toward it. Last evaluated 2025-12-02.

Conditions:
AAAS-related disorder. Also called: AAAS-related condition.
Glucocorticoid deficiency with achalasia (AAAS). Also called: Alacrima-achalasia-addisonianism; ACTH-resistant adrenal insufficiency, achalasia and alacrima; Glucocorticoid deficiency and achalasia; Hypoadrenalism with achalasia; Achalasia-Addisonianism-Alacrima (Triple-A) Syndrome; Triple-A syndrome. Identifiers: Orphanet 869, MedGen C0271742, MONDO:0009279, OMIM 231550.

Allele frequency attached by ClinVar (database versions not stated): gnomAD 0.00003; TOPMed 0.00008; 1000 Genomes Project 30x 0.00016.
gnomAD v4.1: 68 of 1,614,202 alleles (0.0042%); highest among the groups gnomAD compares: Admixed American, 0.032%; no homozygotes.

Submissions 1 to 10 of 17:

Rady Children's Institute for Genomic Medicine, Rady Children's Hospital San Diego
Classification: Pathogenic for Achalasia-addisonianism-alacrima syndrome. Last evaluated: 2025-12-02. Review status: criteria provided, single submitter. Criteria: ACMG Guidelines, 2015. Collection method: clinical testing. Allele origin: germline. Affected: yes.
Comment: This variant affects the canonical splice donor site of intron 14 and is predicted to interfere with splicing. Functional studies have shown that this variant leads to multiple abnormal transcripts, including skipping of exon 14 and premature translation termination upstream of exon 16, which results in loss of normal protein function through protein truncation and/or nonsense-mediated mRNA decay (PMID: 11062474). The c.1331+1G>A variant has been reported as a founder variant in the Moroccan/North African population. It has been predominantly observed in the homozygous state but can also occur as compound heterozygous with other AAAS mutations in patients affected with Triple-A/Allgrove syndrome (PMID: 38585542, 15173230, 18261130). A different variant affecting the same nucleotide position, c.1331+1G>T, has also been reported as compound heterozygous with a missense variant in a patient with Triple-A syndrome (PMID: 20051279). The c.1331+1G>A variant is present in the latest version of the gnomAD population database at an allele frequency of 0.004% (68/1614202), and is absent in the homozygous state, thus is presumed to be rare. Based on the available evidence, c.1331+1G>A is classified as Pathogenic. .

Clinical Genomics Laboratory, Washington University in St. Louis
Classification: Pathogenic for Glucocorticoid deficiency with achalasia. Last evaluated: 2025-11-29. Review status: criteria provided, single submitter. Criteria: ACMG Guidelines, 2015. Collection method: clinical testing. Allele origin: germline. Affected: yes.
Comment: The AAAS c.1331+1G>A variant, also published as IVS 14+1 G>A, has been reported in several individuals affected with Triple A syndrome and is considered a founder variant in North Africa. Of those individuals, two were compound heterozygous for the variant and a pathogenic or likely pathogenic variant confirmed in trans and 32 individuals were homozygous for the variant (Abdallah LCB et al., PMID: 25247238; Chang AJ et al., PMID: 18261130; Kallabi F et al., PMID: 27133709; Sandrini F et al., PMID: 11701718; Tullio-Pelet A et al., PMID: 11062474). This variant has been reported in the ClinVar database as a germline pathogenic variant by 12 submitters. This variant is only observed in 13/282,858 alleles in the general population (gnomAD v.2.1.1), indicating it is not a common variant. This variant occurs within the canonical splice donor site, which is predicted to cause skipping of the exon, leading to an out of frame transcript. Functional studies show abnormal transcripts in total RNA from lymphoblast cell lines, indicating that this variant impacts protein function (Tullio-Pelet A et al., PMID: 11062474). Based on available information and the ACMG/AMP guidelines for variant interpretation (Richards S et al., PMID: 25741868), this variant is classified as pathogenic.

Labcorp Genetics (formerly Invitae), Labcorp
Classification: Pathogenic. Last evaluated: 2025-11-10. Review status: criteria provided, single submitter. Criteria: Invitae Variant Classification Sherloc (09022015). Collection method: clinical testing. Allele origin: germline.
Comment: This sequence change affects a donor splice site in intron 14 of the AAAS gene. It is expected to disrupt RNA splicing. Variants that disrupt the donor or acceptor splice site typically lead to a loss of protein function (PMID: 16199547), and loss-of-function variants in AAAS are known to be pathogenic (PMID: 11159947). This variant is present in population databases (rs150511103, gnomAD 0.02%). Disruption of this splice site has been observed in individual(s) with Allgrove syndrome (also known as Triple-A syndrome) (PMID: 11062474, 26595337, 27133709). It is commonly reported in individuals of North African ancestry (PMID: 11062474, 26595337, 27133709). ClinVar contains an entry for this variant (Variation ID: 264994). Algorithms developed to predict the effect of sequence changes on RNA splicing suggest that this variant may disrupt the consensus splice site. For these reasons, this variant has been classified as Pathogenic.

Dasa
Classification: Pathogenic. Last evaluated: 2025-10-17. Review status: criteria provided, single submitter. Criteria: DASA Assertion Criteria. Collection method: clinical testing. Allele origin: germline.
Comment: NM_015665.6(AAAS):c.1331+1G>A introduces a premature termination codon predicted to result in loss of normal protein function. Loss-of-function is an established mechanism of disease for this gene. This variant has been observed in affected individuals with related phenotype in a genotype context consistent with recessive disease (PMID: 26595337; PMID: 29866068). This variant has been recurrently observed in individuals with related phenotype (PMID: 26595337; PMID: 29866068). The variant is present at low frequency in population datasets. Based on the available data, this variant is classified as pathogenic.

First Genomix Gene Laboratory, Genetic Diagnostics Department
Classification: Pathogenic for Glucocorticoid deficiency with achalasia. Last evaluated: 2025-09-12. Review status: criteria provided, single submitter. Criteria: ACMG Guidelines, 2015. Collection method: clinical testing. Allele origin: germline. Inheritance: Autosomal recessive inheritance. Affected: no. Observed: 1 variant allele.

Greenwood Genetic Center Diagnostic Laboratories, Greenwood Genetic Center
Classification: Pathogenic for Glucocorticoid deficiency with achalasia. Last evaluated: 2025-05-19. Review status: criteria provided, single submitter. Criteria: ACMG Guidelines, 2015. Collection method: clinical testing. Allele origin: germline. Affected: yes.
Comment: PVS1, PS3, PM2, PM3

Women's Health and Genetics/Laboratory Corporation of America, LabCorp
Classification: Pathogenic for Glucocorticoid deficiency with achalasia. Last evaluated: 2024-08-07. Review status: criteria provided, single submitter. Criteria: LabCorp Variant Classification Summary - May 2015. Collection method: clinical testing. Allele origin: germline.
Comment: Variant summary: AAAS c.1331+1G>A is located in a canonical splice-site and is predicted to affect mRNA splicing resulting in a significantly altered protein due to either exon skipping, shortening, or inclusion of intronic material. Variants that disrupt the consensus splice site are a relatively common cause of aberrant splicing and loss of AAAS function. Several computational tools predict a significant impact on normal splicing: Four predict the variant abolishes the canonical 5' splicing donor site. At least one publication reports experimental evidence that this variant affects mRNA splicing in lymphocytes from a patient carrying homozygous c.1331+1G>A (Kallabi_2016). The variant allele was found at a frequency of 4.8e-05 in 251462 control chromosomes. This frequency is not significantly higher than estimated for a pathogenic variant in AAAS causing Glucocorticoid Deficiency With Achalasia (4.8e-05 vs 0.0011), allowing no conclusion about variant significance. c.1331+1G>A has been reported in the literature in multiple individuals affected with Glucocorticoid Deficiency With Achalasia (example, Kallabi_2016). These data indicate that the variant is very likely to be associated with disease. The following publications have been ascertained in the context of this evaluation (PMID: 26595337, 27414811). ClinVar contains an entry for this variant (Variation ID: 264994). Based on the evidence outlined above, the variant was classified as pathogenic.

Fulgent Genetics
Classification: Pathogenic for Glucocorticoid deficiency with achalasia. Last evaluated: 2024-06-23. Review status: criteria provided, single submitter. Criteria: ACMG Guidelines, 2015. Collection method: clinical testing. Allele origin: germline.

Revvity Omics, Revvity
Classification: Pathogenic for Glucocorticoid deficiency with achalasia. Last evaluated: 2024-03-11. Review status: criteria provided, single submitter. Criteria: ACMG Guidelines, 2015. Collection method: clinical testing. Allele origin: germline.

Blueprint Genetics
Classification: Pathogenic for AAAS-related disorders. Last evaluated: 2022-07-01. Review status: criteria provided, single submitter. Criteria: ACMG Guidelines, 2015. Collection method: clinical testing. Allele origin: germline. Affected: yes. Observed: 5 variant alleles.

NM_015665.6(AAAS):c.1331+1G>A

Gene: AAAS (aladin WD repeat nucleoporin; minus strand). Cytogenetic location: 12q13.13.
Variant type: single nucleotide variant.
Coding change: c.1331+1G>A on transcript NM_015665.6 (MANE Select); the canonical splice donor site of the intron after coding-DNA position 1331, G replaced by A.
Molecular consequence: splice donor variant.
Genome position (GRCh38, 1-based): chr12:53,308,051, C>T on the plus strand (G>A on the coding strand, the complement: AAAS is on the minus strand). VCF-style: chr12-53308051-C-T. GRCh37 (hg19) VCF-style: chr12-53701835-C-T.
Other names: IVS14DS, G-A, +1; c.1232+1G>A (NM_001173466.2).
Identifiers: ClinVar variation 264994 (VCV000264994.32), dbSNP rs150511103, ClinGen allele CA6598880.
Genomic context (GRCh38, chr12:53,308,051, plus strand): 5'-GGTTTGTTTGTGCAGGAAGGCTGGTGAGAAGTCCAGACCTAAGGGCCCACATGGCACTTA[C>T]CAGGGAAGGAGCTCAAACACAGGGCTGTTTCGAGTGCGAAAAAGGAGGATGACTGGTTTA-3'